The following is an entry in ClinVar:

ClinVar aggregate classification (germline): Uncertain significance. Review status: criteria provided, multiple submitters, no conflicts (2 of 4 stars). 2 submissions from 2 submitters: Uncertain significance (2). Last evaluated 2026-02-10.

Allele frequency attached by ClinVar (database versions not stated): gnomAD exomes 0.00004; TOPMed 0.00005; ExAC 0.00006; gnomAD 0.00007; 1000 Genomes Project 30x 0.00016; 1000 Genomes Project 0.00020.
gnomAD v4.1: 73 of 1,614,212 alleles (0.0045%); highest among the groups gnomAD compares: Non-Finnish European, 0.0061%; no homozygotes.

Submissions (2):

GeneDx
Classification: Uncertain significance. Last evaluated: 2026-02-10. Review status: criteria provided, single submitter. Criteria: GeneDx Variant Classification Process June 2021. Collection method: clinical testing. Allele origin: germline.
Comment: In silico analysis supports that this missense variant has a deleterious effect on protein structure/function; Has not been previously published as pathogenic or benign to our knowledge

Ambry Genetics
Classification: Uncertain significance. Last evaluated: 2025-08-19. Review status: criteria provided, single submitter. Criteria: Ambry Variant Classification Scheme 2023. Collection method: clinical testing. Allele origin: germline.

NM_018897.3(DNAH7):c.11128A>G (p.Met3710Val)

Gene: DNAH7 (dynein axonemal heavy chain 7; minus strand). Cytogenetic location: 2q32.3.
Variant type: single nucleotide variant.
Coding change: c.11128A>G on transcript NM_018897.3 (MANE Select); coding-DNA position 11128, A replaced by G.
Protein change: p.Met3710Val; replaces methionine 3710 with valine.
Molecular consequence: missense variant.
Genome position (GRCh38, 1-based): chr2:195,775,920, T>C on the plus strand (A>G on the coding strand, the complement: DNAH7 is on the minus strand). VCF-style: chr2-195775920-T-C. GRCh37 (hg19) VCF-style: chr2-196640644-T-C.
Other names: short protein forms M3710V.
Identifiers: ClinVar variation 2468113 (VCV002468113.4), dbSNP rs546899325, ClinGen allele CA2033845.